The following is an entry in ClinVar:

ClinVar aggregate classification (germline): Pathogenic/Likely pathogenic. Review status: criteria provided, multiple submitters, no conflicts (2 of 4 stars). 4 submissions from 4 submitters: Pathogenic (1); Likely pathogenic (1). 2 of the submissions do not count toward it. Last evaluated 2022-03-07.

Conditions:
Fanconi-Bickel syndrome (FBS). Also called: FANCONI SYNDROME WITH INTESTINAL MALABSORPTION AND GALACTOSE INTOLERANCE; HEPATIC GLYCOGENOSIS WITH AMINO ACIDURIA AND GLUCOSURIA; HEPATIC GLYCOGENOSIS WITH FANCONI NEPHROPATHY; HEPATORENAL GLYCOGENOSIS WITH RENAL FANCONI SYNDROME; PSEUDO-PHLORIZIN DIABETES; Glycogen storage disease due to GLUT2 deficiency. Identifiers: Orphanet 2088, MedGen C3495427, MONDO:0009216, OMIM 227810.

Allele frequency attached by ClinVar (database versions not stated): ExAC 0.00002; gnomAD 0.00001; gnomAD exomes 0.00001; TOPMed 0.00001.
gnomAD v4.1: 13 of 1,612,566 alleles (0.00081%); highest among the groups gnomAD compares: African/African-American, 0.0027%; no homozygotes.

Submissions (4):

Laboratory of Cyto-molecular Genetics, Department of Anatomy, All India Institute of Medical Sciences (AIIMS), New Delhi
Classification: Pathogenic for Fanconi-Bickel syndrome. Last evaluated: 2022-03-07. Review status: criteria provided, single submitter. Criteria: ACMG Guidelines, 2015. Collection method: clinical testing. Allele origin: germline. Affected: yes. Observed: 3 variant alleles.
Comment: p.(Gly318Arg), missense variant

Juno Genomics, Hangzhou Juno Genomics, Inc
Classification: Likely pathogenic for Fanconi-Bickel syndrome. Review status: criteria provided, single submitter. Criteria: ACMG Guidelines, 2015. Collection method: clinical testing. Allele origin: germline.
Comment: Absent from controls (or at extremely low frequency if recessive) in Genome Aggregation Database.;Multiple lines of computational evidence support a deleterious effect on the gene or gene product.;For recessive disorders, detected in trans with a pathogenic variant.;Patient's phenotype or family history is highly specific for a disease with a single genetic etiology.

OMIM
Classification: Pathogenic for FANCONI-BICKEL SYNDROME. Last evaluated: 2002-01-01. Review status: no assertion criteria provided. Collection method: literature only. Allele origin: germline. Not counted in ClinVar's aggregate classification.

Hong-Tao Li Lab, Institute of Brain Science and Brain-inspired Research, Shandong First Medical University & Shandong Academy of Medical Sciences China
Classification: Pathogenic for Fanconi-Bickel syndrome. Review status: no assertion criteria provided. Collection method: research. Allele origin: germline. Inheritance: Autosomal recessive inheritance. Affected: yes. Observed: 1 variant allele, 1 homozygote. Not counted in ClinVar's aggregate classification.
Comment: Observed in affected individuals from a Pakistani neurodevelopmental-disorder research cohort of 263 individuals. Classification assigned using the ACMG/AMP framework. Population-frequency evidence: gnomAD AF 1.198e-05.

Literature cited by the submitters: PubMed 35738466 (cited by Laboratory of Cyto-molecular Genetics, Department of Anatomy, All India Institute of Medical Sciences (AIIMS), New Delhi); PubMed 7632512 (cited by OMIM); PubMed 11810292 (cited by OMIM).

NM_000340.2(SLC2A2):c.952G>A (p.Gly318Arg)

Gene: SLC2A2 (solute carrier family 2 member 2; minus strand). Cytogenetic location: 3q26.2.
Variant type: single nucleotide variant.
Coding change: c.952G>A on transcript NM_000340.2 (MANE Select); coding-DNA position 952, G replaced by A.
Protein change: p.Gly318Arg; replaces glycine 318 with arginine.
Molecular consequence: missense variant.
Genome position (GRCh38, 1-based): chr3:171,005,296, C>T on the plus strand (G>A on the coding strand, the complement: SLC2A2 is on the minus strand). VCF-style: chr3-171005296-C-T. GRCh37 (hg19) VCF-style: chr3-170723085-C-T.
Other names: 1264G-A; c.595G>A, p.Gly199Arg (NM_001278658.2); c.433G>A, p.Gly145Arg (NM_001278659.2); short protein forms G145R, G199R, G318R.
Identifiers: ClinVar variation 16099 (VCV000016099.7), dbSNP rs780067980, ClinGen allele CA2702548.